The following is an entry in ClinVar:

ClinVar aggregate classification (germline): Uncertain significance (1 of 4 stars; one submission).

Conditions:
Genitopatellar syndrome (GTPTS). Also called: ABSENT PATELLAE, SCROTAL HYPOPLASIA, RENAL ANOMALIES, FACIAL DYSMORPHISM, AND MENTAL RETARDATION; Genitopatellar syndrome (GPS). Identifiers: Orphanet 85201, MedGen C1853566, MONDO:0011640, OMIM 606170.

Submission:

Labcorp Genetics (formerly Invitae), Labcorp
Classification: Uncertain significance for Genitopatellar syndrome. Last evaluated: 2023-10-13. Review status: criteria provided, single submitter. Criteria: Invitae Variant Classification Sherloc (09022015). Collection method: clinical testing. Allele origin: germline.
Comment: This variant, c.5200_5241dup, results in the insertion of 14 amino acid(s) of the KAT6B protein (p.Met1734_Ser1747dup), but otherwise preserves the integrity of the reading frame. This variant is not present in population databases (gnomAD no frequency). This variant has not been reported in the literature in individuals affected with KAT6B-related conditions. ClinVar contains an entry for this variant (Variation ID: 2024830). In summary, the available evidence is currently insufficient to determine the role of this variant in disease. Therefore, it has been classified as a Variant of Uncertain Significance.

NM_012330.4(KAT6B):c.5200_5241dup (p.Ser1747_Val1748insMetLeuGlnGlnThrSerIleSerSerProProThrCysSer)

Gene: KAT6B (lysine acetyltransferase 6B; plus strand). Cytogenetic location: 10q22.2.
Variant type: Duplication.
Coding change: c.5200_5241dup on transcript NM_012330.4 (MANE Select); coding-DNA positions 5200 to 5241, 42 bases duplicated.
Protein change: p.Ser1747_Val1748insMetLeuGlnGlnThrSerIleSerSerProProThrCysSer.
Molecular consequence: inframe insertion.
Genome position (GRCh38, 1-based): chr10:75,030,024-75,030,065, 42 bases duplicated; duplicating any 42 consecutive bases within chr10:75,030,017-75,030,065 gives the same sequence; the c. name uses the placement nearest the transcript's 3' end. GRCh37 (hg19): chr10:76,789,782-76,789,823.
Other names: c.4651_4692dup, p.Ser1564_Val1565insMetLeuGlnGlnThrSerIleSerSerProProThrCysSer (NM_001256468.2, NM_001370138.1); c.4324_4365dup, p.Ser1455_Val1456insMetLeuGlnGlnThrSerIleSerSerProProThrCysSer (NM_001256469.2, NM_001370139.1, NM_001370140.1 and 2 more transcripts); c.4162_4203dup, p.Ser1401_Val1402insMetLeuGlnGlnThrSerIleSerSerProProThrCysSer (NM_001370132.1); c.3511_3552dup, p.Ser1184_Val1185insMetLeuGlnGlnThrSerIleSerSerProProThrCysSer (NM_001370133.1); c.3115_3156dup, p.Ser1052_Val1053insMetLeuGlnGlnThrSerIleSerSerProProThrCysSer (NM_001370134.1); c.2857_2898dup, p.Ser966_Val967insMetLeuGlnGlnThrSerIleSerSerProProThrCysSer (NM_001370135.1); c.5200_5241dup, p.Ser1747_Val1748insMetLeuGlnGlnThrSerIleSerSerProProThrCysSer (NM_001370136.1, NM_001370137.1); c.4135_4176dup, p.Ser1392_Val1393insMetLeuGlnGlnThrSerIleSerSerProProThrCysSer (NM_001370143.1, NM_001370144.1).
Identifiers: ClinVar variation 2024830 (VCV002024830.4), dbSNP rs2549209081, ClinGen allele CA2580082035.